The following is an entry in ClinVar:

NM_001122752.2(SERPINI1):c.10C>T (p.Leu4Phe)

Gene: SERPINI1 (serpin family I member 1; plus strand). Cytogenetic location: 3q26.1.
Variant type: single nucleotide variant.
Coding change: c.10C>T on transcript NM_001122752.2 (MANE Select); coding-DNA position 10, C replaced by T.
Protein change: p.Leu4Phe; replaces leucine 4 with phenylalanine.
Molecular consequence: missense variant.
Genome position (GRCh38, 1-based): chr3:167,789,138, C>T. VCF-style: chr3-167789138-C-T. GRCh37 (hg19) VCF-style: chr3-167506926-C-T.
Other names: c.10C>T, p.Leu4Phe (NM_005025.5); short protein forms L4F.
Identifiers: ClinVar variation 1052211 (VCV001052211.9), dbSNP rs1483914626, ClinGen allele CA355155357.

ClinVar aggregate classification (germline): Uncertain significance (1 of 4 stars; one submission).

Conditions:
Familial encephalopathy with neuroserpin inclusion bodies. Also called: ENCEPHALOPATHY, FAMILIAL, WITH COLLINS BODIES. Identifiers: Orphanet 85110, MedGen C1858680, MONDO:0011412, OMIM 604218.

Allele frequency attached by ClinVar (database versions not stated): TOPMed below 0.00001.

Submission:

Labcorp Genetics (formerly Invitae), Labcorp
Classification: Uncertain significance for Familial encephalopathy with neuroserpin inclusion bodies. Last evaluated: 2020-08-24. Review status: criteria provided, single submitter. Criteria: Invitae Variant Classification Sherloc (09022015). Collection method: clinical testing. Allele origin: germline.
Comment: This sequence change replaces leucine with phenylalanine at codon 4 of the SERPINI1 protein (p.Leu4Phe). The leucine residue is highly conserved and there is a small physicochemical difference between leucine and phenylalanine. This variant is not present in population databases (ExAC no frequency). This variant has not been reported in the literature in individuals with SERPINI1-related conditions. Advanced modeling of protein sequence and biophysical properties (such as structural, functional, and spatial information, amino acid conservation, physicochemical variation, residue mobility, and thermodynamic stability) performed at Invitae indicates that this missense variant is not expected to disrupt SERPINI1 protein function. In summary, the available evidence is currently insufficient to determine the role of this variant in disease. Therefore, it has been classified as a Variant of Uncertain Significance.